The following is an entry in ClinVar:

NM_000552.5(VWF):c.2968-1G>A

Gene: VWF (von Willebrand factor; minus strand). Cytogenetic location: 12p13.31.
Variant type: single nucleotide variant.
Coding change: c.2968-1G>A on transcript NM_000552.5 (MANE Select); the canonical splice acceptor site of the intron before coding-DNA position 2968, G replaced by A.
Molecular consequence: splice acceptor variant.
Genome position (GRCh38, 1-based): chr12:6,026,047, C>T on the plus strand (G>A on the coding strand, the complement: VWF is on the minus strand). VCF-style: chr12-6026047-C-T. GRCh37 (hg19) VCF-style: chr12-6135213-C-T.
Identifiers: ClinVar variation 3075892 (VCV003075892.1), dbSNP rs2497535795, ClinGen allele CA383515550.

ClinVar aggregate classification (germline): Likely pathogenic (1 of 4 stars; one submission).

Conditions:
Hereditary von Willebrand disease. Identifiers: Orphanet 903, MedGen C5703318, MONDO:0019565. Inheritance: Autosomal recessive or Autosomal dominant.

Submission:

Laboratory for Molecular Medicine, Mass General Brigham Personalized Medicine
Classification: Likely pathogenic for Hereditary von Willebrand disease. Last evaluated: 2022-08-26. Review status: criteria provided, single submitter. Criteria: ACMG Guidelines, 2015. Collection method: clinical testing. Allele origin: germline.
Comment: The c.2968-1G>A variant in VWF has not been reported in individuals with disease and was absent from large population studies. This variant occurs within the canonical splice site (+/- 1,2) and is predicted to cause altered splicing leading to an abnormal or absent protein. Loss of function of the VWF gene is associated with von Willebrand disease. In summary, although additional studies are required to fully establish its clinical significance, this variant meets criteria to be classified as likely pathogenic for autosomal dominant von Willebrand disease. ACMG/AMP criteria applied: PM2_supporting, PVS1.